The following is an entry in ClinVar:

ClinVar aggregate classification (germline): Uncertain significance. Review status: criteria provided, single submitter (1 of 4 stars). 2 submissions from 2 submitters: Uncertain significance (1). 1 of the submissions does not count toward it. Last evaluated 2025-04-08.

Conditions:
DNASE1-related disorder. Also called: DNASE1-related condition.

Allele frequency attached by ClinVar (database versions not stated): 1000 Genomes Project 30x 0.00141; TOPMed 0.00059; ESP Exome Variant Server 0.00069; ExAC 0.00022; gnomAD 0.00052; 1000 Genomes Project 0.00120.
gnomAD v4.1: 162 of 1,613,916 alleles (0.01%); highest among the groups gnomAD compares: African/African-American, 0.19%; no homozygotes.

Submissions (2):

Mayo Clinic Laboratories, Mayo Clinic
Classification: Uncertain significance. Last evaluated: 2025-04-08. Review status: criteria provided, single submitter. Criteria: ACMG Guidelines, 2015. Collection method: clinical testing. Allele origin: germline. Observed: 1 variant allele.
Comment: BP4_moderate

PreventionGenetics, part of Exact Sciences
Classification: Likely benign for DNASE1-related condition. Last evaluated: 2019-07-31. Review status: no assertion criteria provided. Collection method: clinical testing. Allele origin: germline. Not counted in ClinVar's aggregate classification.
Comment: This variant is classified as likely benign based on ACMG/AMP sequence variant interpretation guidelines (Richards et al. 2015 PMID: 25741868, with internal and published modifications).

Literature cited by the submitters: PubMed 24819173 (cited by Mayo Clinic Laboratories, Mayo Clinic).

NM_005223.4(DNASE1):c.655C>T (p.Pro219Ser)

Gene: DNASE1 (deoxyribonuclease 1; plus strand). Cytogenetic location: 16p13.3.
Variant type: single nucleotide variant.
Coding change: c.655C>T on transcript NM_005223.4 (MANE Select); coding-DNA position 655, C replaced by T.
Protein change: p.Pro219Ser; replaces proline 219 with serine.
Molecular consequence: missense variant. On other transcripts: non-coding transcript variant (2).
Genome position (GRCh38, 1-based): chr16:3,657,292, C>T. VCF-style: chr16-3657292-C-T. GRCh37 (hg19) VCF-style: chr16-3707293-C-T.
Other names: p.Pro219Ser; c.655C>T, p.Pro219Ser (NM_001351825.2, NM_001387135.1, NM_001387140.1); c.724C>T, p.Pro242Ser (NM_001387139.1); c.448C>T, p.Pro150Ser (NM_001387141.1); short protein forms P150S, P219S, P242S.
Identifiers: ClinVar variation 3034868 (VCV003034868.3), dbSNP rs34186031, ClinGen allele CA7867414.